The following is an entry in ClinVar:

ClinVar aggregate classification (germline): Benign/Likely benign. Review status: criteria provided, multiple submitters, no conflicts (2 of 4 stars). 5 submissions from 4 submitters: Benign (3); Likely benign (2). Last evaluated 2023-02-08.

Conditions:
Dilated cardiomyopathy 1L (CMD1L). Identifiers: Orphanet 154, MedGen C1847667, MONDO:0011702, OMIM 606685.
Autosomal recessive limb-girdle muscular dystrophy type 2F (LGMDR6). Also called: MUSCULAR DYSTROPHY, LIMB-GIRDLE, AUTOSOMAL RECESSIVE 6; Muscular dystrophy limb-girdle with delta-sarcoglyan deficiency. Identifiers: Orphanet 219, MedGen C1832525, MONDO:0011028, OMIM 601287. Disease mechanism: Affects gamma-sarcoglycan and also disrupts the integrity of the entire sarcoglycan complex..
Qualitative or quantitative defects of delta-sarcoglycan. Identifiers: Orphanet 207070, MedGen C5680806, MONDO:0016144.

Allele frequency attached by ClinVar (database versions not stated): gnomAD exomes 0.01429; 1000 Genomes Project 0.01897; 1000 Genomes Project 30x 0.02077; gnomAD 0.02079 and 0.02244; TOPMed 0.02369.
gnomAD v4.1: 3,126 of 151,996 alleles (2.1%); highest among the groups gnomAD compares: African/African-American, 7%; 90 homozygotes.

Submissions (6):

Genome-Nilou Lab
Classification: Likely benign for Autosomal recessive limb-girdle muscular dystrophy type 2F. Last evaluated: 2023-02-08. Review status: criteria provided, single submitter. Criteria: ACMG Guidelines, 2015. Collection method: clinical testing. Allele origin: germline.

Genome-Nilou Lab
Classification: Likely benign for Dilated cardiomyopathy 1L. Last evaluated: 2023-02-08. Review status: criteria provided, single submitter. Criteria: ACMG Guidelines, 2015. Collection method: clinical testing. Allele origin: germline.

GeneDx
Classification: Benign. Last evaluated: 2021-08-25. Review status: criteria provided, single submitter. Criteria: GeneDx Variant Classification Process June 2021. Collection method: clinical testing. Allele origin: germline. Affected: yes.

Fulgent Genetics
Classification: Benign for Autosomal recessive limb-girdle muscular dystrophy type 2F; Dilated cardiomyopathy 1L. Last evaluated: 2021-08-11. Review status: criteria provided, single submitter. Criteria: ACMG Guidelines, 2015. Collection method: clinical testing. Allele origin: unknown.

Illumina Laboratory Services, Illumina
Classification: Benign for Qualitative or quantitative defects of delta-sarcoglycan. Last evaluated: 2018-01-13. Review status: criteria provided, single submitter. Criteria: ICSL Variant Classification Criteria 13 December 2019. Collection method: clinical testing. Allele origin: germline.
Comment: This variant was observed in the ICSL laboratory as part of a predisposition screen in an ostensibly healthy population. It had not been previously curated by ICSL or reported in the Human Gene Mutation Database (HGMD: prior to June 1st, 2018), and was therefore a candidate for classification through an automated scoring system. Utilizing variant allele frequency, disease prevalence and penetrance estimates, and inheritance mode, an automated score was calculated to assess if this variant is too frequent to cause the disease. Based on the score and internal cut-off values, a variant classified as benign is not then subjected to further curation. The score for this variant resulted in a classification of benign for this disease.

Dr. Peter K. Rogan Lab, Western University
No classification provided (evidence only). Condition: Ovarian serous cystadenocarcinoma. Review status: no classification provided. Collection method: in vitro. Allele origin: not applicable. Functional consequence: retained intron. Not counted in ClinVar's aggregate classification.

NM_000337.6(SGCD):c.*7596A>G

Gene: SGCD (sarcoglycan delta; plus strand). Cytogenetic location: 5q33.3.
Variant type: single nucleotide variant.
Coding change: c.*7596A>G on transcript NM_000337.6 (MANE Select); 7596 bases downstream of the stop codon, A replaced by G.
Molecular consequence: 3 prime UTR variant.
Genome position (GRCh38, 1-based): chr5:156,766,986, A>G. VCF-style: chr5-156766986-A-G. GRCh37 (hg19) VCF-style: chr5-156193997-A-G.
Other names: NC_000005.9:g.156193997A>G; c.*7596A>G (NM_001128209.2).
Identifiers: ClinVar variation 352444 (VCV000352444.11), dbSNP rs80115276, ClinGen allele CA10621064.